The following is an entry in ClinVar:

ClinVar aggregate classification (germline): Uncertain significance (1 of 4 stars; one submission).

Conditions:
Multiple endocrine neoplasia, type 1 (MEN1). Also called: MEN I; WERMER SYNDROME; Endocrine adenomatosis multiple; MEN 1; MEA I. Identifiers: Orphanet 652, MedGen C0025267, MeSH D018761, MONDO:0007540, OMIM 131100.

Allele frequency attached by ClinVar (database versions not stated): gnomAD exomes below 0.00001.
gnomAD v4.1: 1 of 1,607,488 alleles (0.000062%); no homozygotes.

Submission:

All of Us Research Program, National Institutes of Health
Classification: Uncertain significance for Multiple endocrine neoplasia, type 1. Last evaluated: 2023-08-15. Review status: criteria provided, single submitter. Criteria: ACMG Guidelines, 2015. Collection method: clinical testing. Allele origin: germline. Inheritance: Autosomal dominant inheritance. Observed: 1 variant allele, 1 heterozygote.
Comment: This missense variant replaces arginine with leucine at codon 14 of the MEN1 protein. Computational prediction suggests that this variant may have deleterious impact on protein structure and function (internally defined REVEL score threshold >= 0.7, PMID: 27666373). To our knowledge, functional studies have not been reported for this variant. This variant has not been reported in individuals affected with MEN1-related disorders in the literature. This variant has not been identified in the general population by the Genome Aggregation Database (gnomAD). The available evidence is insufficient to determine the role of this variant in disease conclusively. Therefore, this variant is classified as a Variant of Uncertain Significance.

This study involves interpretation of variants in research participants for the purpose of population health screening. Participant phenotype was not available at the time of variant classification. Additional details can be found in publication PMID: 35346344, PMCID: PMC8962531

NM_001370259.2(MEN1):c.41G>T (p.Arg14Leu)

Gene: MEN1 (menin 1; minus strand). Cytogenetic location: 11q13.1.
Variant type: single nucleotide variant.
Coding change: c.41G>T on transcript NM_001370259.2 (MANE Select); coding-DNA position 41, G replaced by T.
Protein change: p.Arg14Leu; replaces arginine 14 with leucine.
Molecular consequence: missense variant. On other transcripts: non-coding transcript variant (4).
Genome position (GRCh38, 1-based): chr11:64,810,069, C>A on the plus strand (G>T on the coding strand, the complement: MEN1 is on the minus strand). VCF-style: chr11-64810069-C-A. GRCh37 (hg19) VCF-style: chr11-64577541-C-A.
Other names: c.41G>T, p.Arg14Leu (NM_000244.4, NM_001370251.2, NM_001370260.2 and 20 more transcripts); short protein forms R14L.
Identifiers: ClinVar variation 3072909 (VCV003072909.1), dbSNP rs2136195966, ClinGen allele CA381188201.